The following is an entry in ClinVar:

NM_003924.4(PHOX2B):c.787C>G (p.Leu263Val)

Gene: PHOX2B (paired like homeobox 2B; minus strand). Cytogenetic location: 4p13.
Variant type: single nucleotide variant.
Coding change: c.787C>G on transcript NM_003924.4 (MANE Select); coding-DNA position 787, C replaced by G.
Protein change: p.Leu263Val; replaces leucine 263 with valine.
Molecular consequence: missense variant.
Genome position (GRCh38, 1-based): chr4:41,745,965, G>C on the plus strand (C>G on the coding strand, the complement: PHOX2B is on the minus strand). VCF-style: chr4-41745965-G-C. GRCh37 (hg19) VCF-style: chr4-41747982-G-C.
Other names: short protein forms L263V.
Identifiers: ClinVar variation 1995007 (VCV001995007.5), dbSNP rs749254001, ClinGen allele CA2901420.

ClinVar aggregate classification (germline): Uncertain significance. Review status: criteria provided, multiple submitters, no conflicts (2 of 4 stars). 2 submissions from 2 submitters: Uncertain significance (2). Last evaluated 2025-07-12.

Conditions:
Haddad syndrome (OHD). Also called: Ondine-Hirschsprung disease. Identifiers: Orphanet 99803, MedGen C1859049, MONDO:0020493.
Hereditary cancer-predisposing syndrome. Also called: Neoplastic Syndromes, Hereditary; Hereditary neoplastic syndrome; Tumor predisposition; Hereditary Cancer Syndrome. Identifiers: Orphanet 140162, MedGen C0027672, MeSH D009386, MONDO:0015356.

Allele frequency attached by ClinVar (database versions not stated): ExAC 0.00002.

Submissions (2):

Ambry Genetics
Classification: Uncertain significance for Hereditary cancer-predisposing syndrome. Last evaluated: 2025-07-12. Review status: criteria provided, single submitter. Criteria: Ambry Variant Classification Scheme 2023. Collection method: clinical testing. Allele origin: germline.
Comment: The p.L263V variant (also known as c.787C>G), located in coding exon 3 of the PHOX2B gene, results from a C to G substitution at nucleotide position 787. The leucine at codon 263 is replaced by valine, an amino acid with highly similar properties. This amino acid position is conserved. In addition, this alteration is predicted to be tolerated by in silico analysis. Based on the available evidence, the clinical significance of this variant remains unclear.

Labcorp Genetics (formerly Invitae), Labcorp
Classification: Uncertain significance for Haddad syndrome. Last evaluated: 2022-05-19. Review status: criteria provided, single submitter. Criteria: Invitae Variant Classification Sherloc (09022015). Collection method: clinical testing. Allele origin: germline.
Comment: This sequence change replaces leucine, which is neutral and non-polar, with valine, which is neutral and non-polar, at codon 263 of the PHOX2B protein (p.Leu263Val). The frequency data for this variant in the population databases is considered unreliable, as metrics indicate poor data quality at this position in the gnomAD database. This variant has not been reported in the literature in individuals affected with PHOX2B-related conditions. Algorithms developed to predict the effect of missense changes on protein structure and function are either unavailable or do not agree on the potential impact of this missense change (SIFT: "Tolerated"; PolyPhen-2: "Not Available"; Align-GVGD: "Class C0"). In summary, the available evidence is currently insufficient to determine the role of this variant in disease. Therefore, it has been classified as a Variant of Uncertain Significance.